The following is an entry in ClinVar:

NM_006302.3(MOGS):c.1421G>A (p.Trp474Ter)

Gene: MOGS (mannosyl-oligosaccharide glucosidase; minus strand). Cytogenetic location: 2p13.1.
Variant type: single nucleotide variant.
Coding change: c.1421G>A on transcript NM_006302.3 (MANE Select); coding-DNA position 1421, G replaced by A.
Protein change: p.Trp474Ter; replaces tryptophan 474 with a stop codon.
Molecular consequence: nonsense.
Genome position (GRCh38, 1-based): chr2:74,462,368, C>T on the plus strand (G>A on the coding strand, the complement: MOGS is on the minus strand). VCF-style: chr2-74462368-C-T. GRCh37 (hg19) VCF-style: chr2-74689495-C-T.
Other names: c.1103G>A, p.Trp368Ter (NM_001146158.2); short protein forms W474*, W368*.
Identifiers: ClinVar variation 2982038 (VCV002982038.3), dbSNP rs548386762, ClinGen allele CA50475372.

ClinVar aggregate classification (germline): Pathogenic (1 of 4 stars; one submission).

Conditions:
MOGS-congenital disorder of glycosylation. Also called: CDG IIb; GLUCOSIDASE I DEFICIENCY; MOGS-CDG; CDG 2B. Identifiers: Orphanet 79330, MedGen C1853736, MONDO:0011629, OMIM 606056.

Allele frequency attached by ClinVar (database versions not stated): gnomAD exomes below 0.00001; gnomAD 0.00001; 1000 Genomes Project 0.00020.

Submission:

Labcorp Genetics (formerly Invitae), Labcorp
Classification: Pathogenic for MOGS-congenital disorder of glycosylation. Last evaluated: 2023-08-17. Review status: criteria provided, single submitter. Criteria: Invitae Variant Classification Sherloc (09022015). Collection method: clinical testing. Allele origin: germline.
Comment: For these reasons, this variant has been classified as Pathogenic. This variant disrupts a region of the MOGS protein in which other variant(s) (p.Arg535*) have been determined to be pathogenic (PMID: 29235540, 33261925; Invitae). This suggests that this is a clinically significant region of the protein, and that variants that disrupt it are likely to be disease-causing. This premature translational stop signal has been observed in individual(s) with congenital disorder of glycosylation type 2B (PMID: 32860008). This variant is not present in population databases (gnomAD no frequency). This sequence change creates a premature translational stop signal (p.Trp474*) in the MOGS gene. While this is not anticipated to result in nonsense mediated decay, it is expected to disrupt the last 364 amino acid(s) of the MOGS protein.

Literature cited by the submitters: PubMed 29235540; PubMed 33261925; PubMed 32860008.